The following is an entry in ClinVar:

NM_001378414.1(HDAC4):c.1343T>C (p.Leu448Ser)

Gene: HDAC4 (histone deacetylase 4; minus strand). Cytogenetic location: 2q37.3.
Variant type: single nucleotide variant.
Coding change: c.1343T>C on transcript NM_001378414.1 (MANE Select); coding-DNA position 1343, T replaced by C.
Protein change: p.Leu448Ser; replaces leucine 448 with serine.
Molecular consequence: missense variant.
Genome position (GRCh38, 1-based): chr2:239,126,646, A>G on the plus strand (T>C on the coding strand, the complement: HDAC4 is on the minus strand). VCF-style: chr2-239126646-A-G. GRCh37 (hg19) VCF-style: chr2-240048342-A-G.
Other names: c.1343T>C, p.Leu448Ser (NM_001378415.1); c.1328T>C, p.Leu443Ser (NM_001378416.1, NM_001378417.1, NM_001435996.1 and 1 more transcripts); c.1262T>C, p.Leu421Ser (NM_001435991.1, NM_001435992.1, NM_001435994.1); c.1184T>C, p.Leu395Ser (NM_001435993.1); c.1247T>C, p.Leu416Ser (NM_001435998.1); short protein forms L395S, L416S, L421S, L443S, L448S.
Identifiers: ClinVar variation 5020186 (VCV005020186.1).

ClinVar aggregate classification (germline): Uncertain significance (1 of 4 stars; one submission).

gnomAD v4.1: 1 of 1,613,898 alleles (0.000062%); highest among the groups gnomAD compares: Non-Finnish European, 0.000085%; no homozygotes.

Submission:

Dasa
Classification: Uncertain significance. Last evaluated: 2026-07-17. Review status: criteria provided, single submitter. Criteria: DASA Assertion Criteria. Collection method: clinical testing. Allele origin: germline.
Comment: NM_001378414.1(HDAC4):c.1343T>C (p.Leu448Ser) is a missense variant that results in the substitution of leucine with serine. This variant is rare in population databases. Computational prediction algorithms are consistent with a benign effect. The currently available literature and clinical evidence are not sufficient to establish a definitive association between this variant and the reported condition. Therefore, this variant is classified as a variant of uncertain significance.